The following is an entry in ClinVar:

NM_000173.7(GP1BA):c.674G>C (p.Cys225Ser)

Gene: GP1BA (glycoprotein Ib platelet subunit alpha; plus strand). Cytogenetic location: 17p13.2.
Variant type: single nucleotide variant.
Coding change: c.674G>C on transcript NM_000173.7 (MANE Select); coding-DNA position 674, G replaced by C.
Protein change: p.Cys225Ser; replaces cysteine 225 with serine.
Molecular consequence: missense variant.
Genome position (GRCh38, 1-based): chr17:4,933,278, G>C. VCF-style: chr17-4933278-G-C. GRCh37 (hg19) VCF-style: chr17-4836573-G-C.
Other names: short protein forms C225S.
Identifiers: ClinVar variation 1691252 (VCV001691252.1), dbSNP rs2151107940, ClinGen allele CA397318017.

ClinVar aggregate classification (germline): Pathogenic (0 of 4 stars; one submission).

Conditions:
Bernard Soulier syndrome (BSS). Also called: BLEEDING DISORDER, PLATELET-TYPE, 1; GLYCOPROTEIN Ib, PLATELET, DEFICIENCY OF; Platelet Glycoprotein 1b, Deficiency of; VON WILLEBRAND FACTOR RECEPTOR DEFICIENCY; Giant platelet syndrome; Hemorrhagiparous thrombocytic dystrophy. Identifiers: Orphanet 274, MedGen C0005129, MeSH D001606, MONDO:0009276, OMIM 231200.

Submission:

ISTH-SSC Genomics in Thrombosis and Hemostasis, KU Leuven, Center for Molecular and Vascular Biology
Classification: Pathogenic for Bernard Soulier syndrome. Review status: no assertion criteria provided. Collection method: research. Allele origin: germline. Affected: yes.
Comment: Submitted to GoldVariant by Jose María Bastida from Grupo Español de Alteraciones Plaquetarias Congénitas (GEAPC), Salamanca, Spain